The following is an entry in ClinVar:

ClinVar aggregate classification (germline): Pathogenic (1 of 4 stars; one submission).

Submission:

Labcorp Genetics (formerly Invitae), Labcorp
Classification: Pathogenic. Last evaluated: 2022-08-18. Review status: criteria provided, single submitter. Criteria: Invitae Variant Classification Sherloc (09022015). Collection method: clinical testing. Allele origin: germline.
Comment: This variant is a gross deletion of the genomic region encompassing exon(s) 8-9 of the PRKN gene. This deletion is out-of-frame, and is expected to create a premature termination codon and result in an absent or disrupted protein product. Loss-of-function variants in PRKN are known to be pathogenic (PMID: 10072423, 20301651, 22956510). A similar copy number variant has been observed in individuals with Parkinson's disease (PMID: 9802278, 19479361; Invitae). It has also been observed to segregate with disease in related individuals. For these reasons, this variant has been classified as Pathogenic.

Literature cited by the submitters: PubMed 10072423; PubMed 20301651; PubMed 22956510; PubMed 9802278; PubMed 19479361.

NC_000006.11:g.(?_161969866)_(161990468_?)del

Gene: PRKN (parkin RBR E3 ubiquitin protein ligase; minus strand). Cytogenetic location: 6q26.
Variant type: Deletion.
Identifiers: ClinVar variation 1460217 (VCV001460217.6).